The following is an entry in ClinVar:

ClinVar aggregate classification (germline): Pathogenic (1 of 4 stars; one submission).

Conditions:
Infantile-onset ascending hereditary spastic paralysis (IAHSP). Also called: Infantile-Onset Ascending Hereditary Spastic Paralysis (IAHSP); Autosomal Recessive Juvenile Amyotrophic Lateral Sclerosis. Identifiers: Orphanet 293168, MedGen C2931441, MONDO:0011797, OMIM 607225. Disease mechanism: loss of function.

Submission:

Diagnostics Services (NGS), CSIR - Centre For Cellular And Molecular Biology
Classification: Pathogenic for Infantile-onset ascending hereditary spastic paralysis. Last evaluated: 2026-06-09. Review status: criteria provided, single submitter. Criteria: ACMG Guidelines, 2015. Collection method: clinical testing. Allele origin: germline. Affected: yes. Observed: 1 variant allele, 1 homozygote.
Comment: A ~13.5 kb homozygous deletionencompassing exon 5-10 region of ALS2 gene causing frameshift. The deletion region is not present in the publicly available population databases (for CNV) like 1000 Genomes. Overlapping bigger and smaller regions are present in gnomAD and DGV. Overlapping bigger deletions in this region have been reported to clinical databases like DECIPHER and ClinVar as ‘Pathogenic/Likely Pathogenic/Uncertain significance’ by multiple submitters.

NC_000002.11:g.202608980_202622489del

Gene: ALS2 (alsin Rho guanine nucleotide exchange factor ALS2; minus strand). Cytogenetic location: 2q33.1.
Variant type: Deletion.
Identifiers: ClinVar variation 4884491 (VCV004884491.1).